The following is an entry in ClinVar:

NM_001035.3(RYR2):c.10589T>C (p.Leu3530Pro)

Gene: RYR2 (ryanodine receptor 2; plus strand). Cytogenetic location: 1q43.
Variant type: single nucleotide variant.
Coding change: c.10589T>C on transcript NM_001035.3 (MANE Select); coding-DNA position 10589, T replaced by C.
Protein change: p.Leu3530Pro; replaces leucine 3530 with proline.
Molecular consequence: missense variant.
Genome position (GRCh38, 1-based): chr1:237,723,162, T>C. VCF-style: chr1-237723162-T-C. GRCh37 (hg19) VCF-style: chr1-237886462-T-C.
Other names: short protein forms L3530P.
Identifiers: ClinVar variation 1171421 (VCV001171421.3), dbSNP rs2149125524, ClinGen allele CA345416043.

ClinVar aggregate classification (germline): Uncertain significance (1 of 4 stars; one submission).

Conditions:
Cardiomyopathy (CMYO). Also called: Cardiomyopathies. Identifiers: Orphanet 167848, MedGen C0878544, MONDO:0004994, HP:0001638. Inheritance: Various modes of inheritance.

Submission:

Color Diagnostics, LLC DBA Color Health
Classification: Uncertain significance for Cardiomyopathy. Last evaluated: 2024-03-06. Review status: criteria provided, single submitter. Criteria: ACMG Guidelines, 2015. Collection method: clinical testing. Allele origin: germline.
Comment: This missense variant replaces leucine with proline at codon 3530 of the RYR2 protein. Computational prediction suggests that this variant may have deleterious impact on protein structure and function (internally defined REVEL score threshold >= 0.7, PMID: 27666373). To our knowledge, functional studies have not been reported for this variant. This variant has not been reported in individuals affected with cardiovascular disorders in the literature. This variant has not been identified in the general population by the Genome Aggregation Database (gnomAD). The available evidence is insufficient to determine the role of this variant in disease conclusively. Therefore, this variant is classified as a Variant of Uncertain Significance.